The following is an entry in ClinVar:

ClinVar aggregate classification (germline): Pathogenic (1 of 4 stars; one submission).

Conditions:
Rubinstein-Taybi syndrome (RSTS). Identifiers: Orphanet 783, MedGen C0035934, MONDO:0019188.

Submission:

Labcorp Genetics (formerly Invitae), Labcorp
Classification: Pathogenic for Rubinstein-Taybi syndrome. Last evaluated: 2022-10-28. Review status: criteria provided, single submitter. Criteria: Invitae Variant Classification Sherloc (09022015). Collection method: clinical testing. Allele origin: germline.
Comment: Algorithms developed to predict the effect of sequence changes on RNA splicing suggest that this variant may disrupt the consensus splice site. This sequence change affects an acceptor splice site in intron 27 of the CREBBP gene. It is expected to disrupt RNA splicing. Variants that disrupt the donor or acceptor splice site typically lead to a loss of protein function (PMID: 16199547), and loss-of-function variants in CREBBP are known to be pathogenic (PMID: 17052327, 18792986). This variant is not present in population databases (gnomAD no frequency). Disruption of this splice site has been observed in individuals with Rubinstein-Taybi syndrome (Invitae). ClinVar contains an entry for this variant (Variation ID: 1067259). For these reasons, this variant has been classified as Pathogenic.

Literature cited by the submitters: PubMed 16199547; PubMed 17052327; PubMed 18792986.

NM_004380.3(CREBBP):c.4561-1G>A

Gene: CREBBP (CREB binding lysine acetyltransferase; minus strand). Cytogenetic location: 16p13.3.
Variant type: single nucleotide variant.
Coding change: c.4561-1G>A on transcript NM_004380.3 (MANE Select); the canonical splice acceptor site of the intron before coding-DNA position 4561, G replaced by A.
Molecular consequence: splice acceptor variant.
Genome position (GRCh38, 1-based): chr16:3,736,204, C>T on the plus strand (G>A on the coding strand, the complement: CREBBP is on the minus strand). VCF-style: chr16-3736204-C-T. GRCh37 (hg19) VCF-style: chr16-3786205-C-T.
Other names: c.4447-1G>A (NM_001079846.1).
Identifiers: ClinVar variation 1067259 (VCV001067259.7), dbSNP rs2151327974, ClinGen allele CA394563122.